The following is an entry in ClinVar:

NM_005591.4(MRE11):c.1004T>C (p.Phe335Ser)

Gene: MRE11 (MRE11 double strand break repair nuclease; minus strand). Cytogenetic location: 11q21.
Variant type: single nucleotide variant.
Coding change: c.1004T>C on transcript NM_005591.4 (MANE Select); coding-DNA position 1004, T replaced by C.
Protein change: p.Phe335Ser; replaces phenylalanine 335 with serine.
Molecular consequence: missense variant.
Genome position (GRCh38, 1-based): chr11:94,470,484, A>G on the plus strand (T>C on the coding strand, the complement: MRE11 is on the minus strand). VCF-style: chr11-94470484-A-G. GRCh37 (hg19) VCF-style: chr11-94203650-A-G.
Other names: c.1004T>C, p.Phe335Ser (NM_001330347.2, NM_005590.4); short protein forms F335S.
Identifiers: ClinVar variation 647574 (VCV000647574.10), dbSNP rs1262089412, ClinGen allele CA382374209.

ClinVar aggregate classification (germline): Uncertain significance. Review status: criteria provided, multiple submitters, no conflicts (2 of 4 stars). 2 submissions from 2 submitters: Uncertain significance (2). Last evaluated 2021-08-24.

Conditions:
Ataxia-telangiectasia-like disorder (ATLD). Identifiers: MedGen C1858391, MONDO:0011457.
Hereditary cancer-predisposing syndrome. Also called: Hereditary Cancer Syndrome; Tumor predisposition; Hereditary neoplastic syndrome; Neoplastic Syndromes, Hereditary. Identifiers: Orphanet 140162, MedGen C0027672, MeSH D009386, MONDO:0015356.

Allele frequency attached by ClinVar (database versions not stated): gnomAD exomes below 0.00001.

Submissions (2):

Labcorp Genetics (formerly Invitae), Labcorp
Classification: Uncertain significance for Ataxia-telangiectasia-like disorder. Last evaluated: 2021-08-24. Review status: criteria provided, single submitter. Criteria: Invitae Variant Classification Sherloc (09022015). Collection method: clinical testing. Allele origin: germline.
Comment: This sequence change replaces phenylalanine with serine at codon 335 of the MRE11 protein (p.Phe335Ser). The phenylalanine residue is moderately conserved and there is a large physicochemical difference between phenylalanine and serine. This variant is not present in population databases (ExAC no frequency). This variant has not been reported in the literature in individuals affected with MRE11-related conditions. Algorithms developed to predict the effect of missense changes on protein structure and function (SIFT, PolyPhen-2, Align-GVGD) all suggest that this variant is likely to be disruptive. In summary, the available evidence is currently insufficient to determine the role of this variant in disease. Therefore, it has been classified as a Variant of Uncertain Significance.

Ambry Genetics
Classification: Uncertain significance for Hereditary cancer-predisposing syndrome. Last evaluated: 2018-11-21. Review status: criteria provided, single submitter. Criteria: Ambry Variant Classification Scheme 2023. Collection method: clinical testing. Allele origin: germline.
Comment: The p.F335S variant (also known as c.1004T>C), located in coding exon 8 of the MRE11A gene, results from a T to C substitution at nucleotide position 1004. The phenylalanine at codon 335 is replaced by serine, an amino acid with highly dissimilar properties. This amino acid position is highly conserved through mammals but not in all available vertebrate species. In addition, the in silico prediction for this alteration is inconclusive. Since supporting evidence is limited at this time, the clinical significance of this alteration remains unclear.